The following is an entry in ClinVar:

ClinVar aggregate classification (germline): Uncertain significance (1 of 4 stars; one submission).

Conditions:
Fanconi anemia (FA). Also called: Fanconi's anemia. Identifiers: Orphanet 84, MedGen C0015625, MeSH D005199, MONDO:0019391.

Submission:

Labcorp Genetics (formerly Invitae), Labcorp
Classification: Uncertain significance for Fanconi anemia. Last evaluated: 2023-12-19. Review status: criteria provided, single submitter. Criteria: Invitae Variant Classification Sherloc (09022015). Collection method: clinical testing. Allele origin: germline.
Comment: This sequence change replaces glutamic acid, which is acidic and polar, with alanine, which is neutral and non-polar, at codon 372 of the FANCM protein (p.Glu372Ala). This variant is not present in population databases (gnomAD no frequency). This variant has not been reported in the literature in individuals affected with FANCM-related conditions. An algorithm developed to predict the effect of missense changes on protein structure and function (PolyPhen-2) suggests that this variant is likely to be disruptive. In summary, the available evidence is currently insufficient to determine the role of this variant in disease. Therefore, it has been classified as a Variant of Uncertain Significance.

NM_020937.4(FANCM):c.1115A>C (p.Glu372Ala)

Gene: FANCM (FA complementation group M; plus strand). Cytogenetic location: 14q21.2.
Variant type: single nucleotide variant.
Coding change: c.1115A>C on transcript NM_020937.4 (MANE Select); coding-DNA position 1115, A replaced by C.
Protein change: p.Glu372Ala; replaces glutamic acid 372 with alanine.
Molecular consequence: missense variant.
Genome position (GRCh38, 1-based): chr14:45,153,984, A>C. VCF-style: chr14-45153984-A-C. GRCh37 (hg19) VCF-style: chr14-45623187-A-C.
Other names: c.1037A>C, p.Glu346Ala (NM_001308133.2); c.1115A>C, p.Glu372Ala (NM_001308134.2); short protein forms E346A, E372A.
Identifiers: ClinVar variation 2852768 (VCV002852768.3), dbSNP rs762845761, ClinGen allele CA389590917.